The following is an entry in ClinVar:

ClinVar aggregate classification (germline): Uncertain significance. Review status: criteria provided, multiple submitters, no conflicts (2 of 4 stars). 3 submissions from 3 submitters: Uncertain significance (3). Last evaluated 2026-04-20.

Conditions:
Inborn genetic diseases. Identifiers: MedGen C0950123, MeSH D030342.

Allele frequency attached by ClinVar (database versions not stated): TOPMed 0.00002.

Submissions (3):

Ambry Genetics
Classification: Uncertain significance for Inborn genetic diseases. Last evaluated: 2026-04-20. Review status: criteria provided, single submitter. Criteria: Ambry Variant Classification Scheme 2023. Collection method: clinical testing. Allele origin: germline.
Comment: The p.S1014N variant (also known as c.3041G>A), located in coding exon 13 of the ASXL1 gene, results from a G to A substitution at nucleotide position 3041. The serine at codon 1014 is replaced by asparagine, an amino acid with highly similar properties. This amino acid position is conserved. In addition, this alteration is predicted to be tolerated by in silico analysis. Based on the available evidence, the clinical significance of this variant remains unclear.

Labcorp Genetics (formerly Invitae), Labcorp
Classification: Uncertain significance. Last evaluated: 2024-05-06. Review status: criteria provided, single submitter. Criteria: Invitae Variant Classification Sherloc (09022015). Collection method: clinical testing. Allele origin: germline.
Comment: This sequence change replaces serine, which is neutral and polar, with asparagine, which is neutral and polar, at codon 1014 of the ASXL1 protein (p.Ser1014Asn). This variant is not present in population databases (gnomAD no frequency). This variant has not been reported in the literature in individuals affected with ASXL1-related conditions. ClinVar contains an entry for this variant (Variation ID: 2442718). An algorithm developed to predict the effect of missense changes on protein structure and function (PolyPhen-2) suggests that this variant is likely to be tolerated. In summary, the available evidence is currently insufficient to determine the role of this variant in disease. Therefore, it has been classified as a Variant of Uncertain Significance.

GeneDx
Classification: Uncertain significance. Last evaluated: 2022-08-30. Review status: criteria provided, single submitter. Criteria: GeneDx Variant Classification Process June 2021. Collection method: clinical testing. Allele origin: germline. Affected: yes.
Comment: Not observed at significant frequency in large population cohorts (gnomAD); In silico analysis supports that this missense variant does not alter protein structure/function; Has not been previously published as pathogenic or benign to our knowledge

NM_015338.6(ASXL1):c.3041G>A (p.Ser1014Asn)

Gene: ASXL1 (ASXL transcriptional regulator 1; plus strand). Cytogenetic location: 20q11.21.
Variant type: single nucleotide variant.
Coding change: c.3041G>A on transcript NM_015338.6 (MANE Select); coding-DNA position 3041, G replaced by A.
Protein change: p.Ser1014Asn; replaces serine 1014 with asparagine.
Molecular consequence: missense variant.
Genome position (GRCh38, 1-based): chr20:32,435,753, G>A. VCF-style: chr20-32435753-G-A. GRCh37 (hg19) VCF-style: chr20-31023556-G-A.
Other names: c.2858G>A, p.Ser953Asn (NM_001363734.1); short protein forms S1014N, S953N.
Identifiers: ClinVar variation 2442718 (VCV002442718.5), dbSNP rs762976045, ClinGen allele CA408562227.
Genomic context (GRCh38, chr20:32,435,753, plus strand): 5'-CTCACGGTGAGTCCACGGATACAGCCTCTGACTTTGAAGGTCACCTCACGGAGGACAGCA[G>A]TGAGGCTGACACTAGAGAAGCTGCAGTGACAAAGGGATCTTCGGTGGACAAGGATGAGAA-3'
Protein context (NP_056153.2, residues 1004-1024): DFEGHLTEDS[Ser1014Asn]EADTREAAVT